The following is an entry in ClinVar:

ClinVar aggregate classification (germline): Benign/Likely benign. Review status: criteria provided, multiple submitters, no conflicts (2 of 4 stars). 4 submissions from 4 submitters: Benign (1); Likely benign (3). Last evaluated 2025-10-11.

Conditions:
Classic or attenuated familial adenomatous polyposis. Identifiers: MedGen CN372698, MONDO:0021057.
Familial adenomatous polyposis 1 (FAP1). Also called: POLYPOSIS, ADENOMATOUS INTESTINAL; FAMILIAL ADENOMATOUS POLYPOSIS 1, ATTENUATED. Identifiers: MedGen C2713442, MONDO:0021056, OMIM 175100. Disease mechanism: loss of function.
Hereditary cancer-predisposing syndrome. Also called: Neoplastic Syndromes, Hereditary; Tumor predisposition; Hereditary neoplastic syndrome; Hereditary Cancer Syndrome. Identifiers: Orphanet 140162, MedGen C0027672, MeSH D009386, MONDO:0015356.

Allele frequency attached by ClinVar (database versions not stated): gnomAD exomes below 0.00001 and 0.00001; TOPMed 0.00001; ExAC 0.00002.
gnomAD v4.1: 3 of 1,612,694 alleles (0.00019%); highest among the groups gnomAD compares: Admixed American, 0.005%; no homozygotes.

Submissions (4):

Labcorp Genetics (formerly Invitae), Labcorp
Classification: Likely benign for Familial adenomatous polyposis 1. Last evaluated: 2025-10-11. Review status: criteria provided, single submitter. Criteria: Invitae Variant Classification Sherloc (09022015). Collection method: clinical testing. Allele origin: germline.

Myriad Genetics, Inc.
Classification: Benign for Familial adenomatous polyposis 1. Last evaluated: 2024-02-26. Review status: criteria provided, single submitter. Criteria: Myriad Autosomal Dominant, Autosomal Recessive and X-Linked Classification Criteria (2023). Collection method: clinical testing. Allele origin: unknown.
Comment: This variant is considered benign. This variant is a silent/synonymous amino acid change and it is not expected to impact splicing.

All of Us Research Program, National Institutes of Health
Classification: Likely benign for Classic or attenuated familial adenomatous polyposis. Last evaluated: 2024-01-11. Review status: criteria provided, single submitter. Criteria: ACMG Guidelines, 2015. Collection method: clinical testing. Allele origin: germline. Inheritance: Autosomal dominant inheritance. Observed: 1 variant allele, 1 heterozygote.
Comment: This study involves interpretation of variants in research participants for the purpose of population health screening. Participant phenotype was not available at the time of variant classification. Additional details can be found in publication PMID: 35346344, PMCID: PMC8962531

Ambry Genetics
Classification: Likely benign for Hereditary cancer-predisposing syndrome. Last evaluated: 2018-03-02. Review status: criteria provided, single submitter. Criteria: Ambry Variant Classification Scheme 2023. Collection method: clinical testing. Allele origin: germline.

NM_000038.6(APC):c.744C>T (p.Asn248=)

Gene: APC (APC regulator of Wnt signaling pathway; plus strand). Cytogenetic location: 5q22.2.
Variant type: single nucleotide variant.
Coding change: c.744C>T on transcript NM_000038.6 (MANE Select); coding-DNA position 744, C replaced by T.
Protein change: p.Asn248=; no amino-acid change (asparagine 248 retained).
Molecular consequence: synonymous variant. On other transcripts: 5 prime UTR variant (1).
Genome position (GRCh38, 1-based): chr5:112,801,293, C>T. VCF-style: chr5-112801293-C-T. GRCh37 (hg19) VCF-style: chr5-112136990-C-T.
Other names: c.744C>T, p.Asn248= (NM_001127510.3, NM_001354895.2, NM_001354896.2 and 1 more transcripts); c.690C>T, p.Asn230= (NM_001127511.3); c.774C>T, p.Asn258= (NM_001354897.2, NM_001354902.2); c.669C>T, p.Asn223= (NM_001354898.2, NM_001354904.2); c.660C>T, p.Asn220= (NM_001354899.2); c.567C>T, p.Asn189= (NM_001354900.2, NM_001354901.2, NM_001354905.2); c.-292C>T (NM_001354906.2).
Identifiers: ClinVar variation 827055 (VCV000827055.15), dbSNP rs747634179, ClinGen allele CA048070.